The following is an entry in ClinVar:

NM_022489.4(INF2):c.2313C>T (p.Gly771=)

Gene: INF2 (inverted formin 2; plus strand). Cytogenetic location: 14q32.33.
Variant type: single nucleotide variant.
Coding change: c.2313C>T on transcript NM_022489.4 (MANE Select); coding-DNA position 2313, C replaced by T.
Protein change: p.Gly771=; no amino-acid change (glycine 771 retained).
Molecular consequence: synonymous variant.
Genome position (GRCh38, 1-based): chr14:104,711,081, C>T. VCF-style: chr14-104711081-C-T. GRCh37 (hg19) VCF-style: chr14-105177418-C-T.
Other names: c.2313C>T, p.Gly771= (NM_001031714.4, NM_001426862.1, NM_001426863.1 and 2 more transcripts).
Identifiers: ClinVar variation 3036980 (VCV003036980.3), dbSNP rs982775086, ClinGen allele CA267327950.

ClinVar aggregate classification (germline): Likely benign. Review status: criteria provided, single submitter (1 of 4 stars). 2 submissions from 2 submitters: Likely benign (1). 1 of the submissions does not count toward it. Last evaluated 2025-11-23.

Conditions:
INF2-related disorder. Also called: INF2-related condition.
Focal segmental glomerulosclerosis 5 (FSGS5). Identifiers: Orphanet 656, MedGen C2750475, MONDO:0013191, OMIM 613237.
Charcot-Marie-Tooth disease dominant intermediate E. Also called: CHARCOT-MARIE-TOOTH NEUROPATHY WITH FOCAL SEGMENTAL GLOMERULONEPHRITIS. Identifiers: Orphanet 93114, MedGen C4302667, MONDO:0013758, OMIM 614455.

Allele frequency attached by ClinVar (database versions not stated): gnomAD 0.00001; TOPMed 0.00001.
gnomAD v4.1: 3 of 1,601,596 alleles (0.00019%); highest among the groups gnomAD compares: Admixed American, 0.0017%; no homozygotes.

Submissions (2):

Labcorp Genetics (formerly Invitae), Labcorp
Classification: Likely benign for Charcot-Marie-Tooth disease dominant intermediate E; Focal segmental glomerulosclerosis 5. Last evaluated: 2025-11-23. Review status: criteria provided, single submitter. Criteria: Invitae Variant Classification Sherloc (09022015). Collection method: clinical testing. Allele origin: germline.

PreventionGenetics, part of Exact Sciences
Classification: Likely benign for INF2-related condition. Last evaluated: 2024-02-22. Review status: no assertion criteria provided. Collection method: clinical testing. Allele origin: germline. Not counted in ClinVar's aggregate classification.
Comment: This variant is classified as likely benign based on ACMG/AMP sequence variant interpretation guidelines (Richards et al. 2015 PMID: 25741868, with internal and published modifications).